The following is an entry in ClinVar:

ClinVar aggregate classification (germline): Uncertain significance (1 of 4 stars; one submission).

Conditions:
Familial acute necrotizing encephalopathy (IIAE3). Also called: ENCEPHALOPATHY, ACUTE, INFECTION-INDUCED, SUSCEPTIBILITY TO, 3; Susceptibility to Acute Necrotizing Encephalopathy 1. Identifiers: Orphanet 88619, MedGen C2675556, MONDO:0011953, OMIM 608033.

gnomAD v4.1: 10 of 1,610,468 alleles (0.00062%); highest among the groups gnomAD compares: Admixed American, 0.0017%; no homozygotes.

Submission:

Labcorp Genetics (formerly Invitae), Labcorp
Classification: Uncertain significance for Familial acute necrotizing encephalopathy. Last evaluated: 2024-08-21. Review status: criteria provided, single submitter. Criteria: Invitae Variant Classification Sherloc (09022015). Collection method: clinical testing. Allele origin: germline.
Comment: This sequence change replaces asparagine, which is neutral and polar, with serine, which is neutral and polar, at codon 620 of the RANBP2 protein (p.Asn620Ser). This variant is present in population databases (rs775517055, gnomAD 0.003%). This variant has not been reported in the literature in individuals affected with RANBP2-related conditions. An algorithm developed to predict the effect of missense changes on protein structure and function outputs the following: PolyPhen-2: "Benign". The serine amino acid residue is found in multiple mammalian species, which suggests that this missense change does not adversely affect protein function. In summary, the available evidence is currently insufficient to determine the role of this variant in disease. Therefore, it has been classified as a Variant of Uncertain Significance.

NM_006267.5(RANBP2):c.1859A>G (p.Asn620Ser)

Gene: RANBP2 (RAN binding protein 2; plus strand). Cytogenetic location: 2q13.
Variant type: single nucleotide variant.
Coding change: c.1859A>G on transcript NM_006267.5 (MANE Select); coding-DNA position 1859, A replaced by G.
Protein change: p.Asn620Ser; replaces asparagine 620 with serine.
Molecular consequence: missense variant.
Genome position (GRCh38, 1-based): chr2:108,753,101, A>G. VCF-style: chr2-108753101-A-G. GRCh37 (hg19) VCF-style: chr2-109369557-A-G.
Other names: c.1859A>G, p.Asn620Ser (NM_001415871.1, NM_001415873.1); c.1856A>G, p.Asn619Ser (NM_001415872.1); short protein forms N620S, N619S.
Identifiers: ClinVar variation 3643138 (VCV003643138.2).
Genomic context (GRCh38, chr2:108,753,101, plus strand): 5'-GGAGAAGTGTTCATTATTGGAAGAAAGTTTTGCCATTGTTGAAGATAATAAAAAAGAAGA[A>G]CAGTATTCCTGAACCTATTGATCCTCTGTTTAAACATTTTCATAGTGTAGACATTCAGGT-3'
Protein context (NP_006258.3, residues 610-630): LPLLKIIKKK[Asn620Ser]SIPEPIDPLF